The following is an entry in ClinVar:

ClinVar aggregate classification (germline): Uncertain significance. Review status: criteria provided, multiple submitters, no conflicts (2 of 4 stars). 2 submissions from 2 submitters: Uncertain significance (2). Last evaluated 2024-06-07.

Conditions:
Inborn genetic diseases. Identifiers: MedGen C0950123, MeSH D030342.
Erythrocytosis, familial, 4 (ECYT4). Identifiers: Orphanet 247511, MedGen C2673187, MONDO:0012729, OMIM 611783.

Allele frequency attached by ClinVar (database versions not stated): TOPMed 0.00001.
gnomAD v4.1: 8 of 1,245,178 alleles (0.00064%); highest among the groups gnomAD compares: Non-Finnish European, 0.00092%; no homozygotes.

Submissions (2):

Fulgent Genetics
Classification: Uncertain significance for Erythrocytosis, familial, 4. Last evaluated: 2024-06-07. Review status: criteria provided, single submitter. Criteria: ACMG Guidelines, 2015. Collection method: clinical testing. Allele origin: germline.

Ambry Genetics
Classification: Uncertain significance for Inborn genetic diseases. Last evaluated: 2024-02-16. Review status: criteria provided, single submitter. Criteria: Ambry Variant Classification Scheme 2023. Collection method: clinical testing. Allele origin: germline.
Comment: The p.C74G variant (also known as c.220T>G), located in coding exon 3 of the EPAS1 gene, results from a T to G substitution at nucleotide position 220. The cysteine at codon 74 is replaced by glycine, an amino acid with highly dissimilar properties. This amino acid position is conserved. In addition, this alteration is predicted to be tolerated by in silico analysis. Since supporting evidence is limited at this time, the clinical significance of this alteration remains unclear.

NM_001430.5(EPAS1):c.220T>G (p.Cys74Gly)

Gene: EPAS1 (endothelial PAS domain protein 1; plus strand). Cytogenetic location: 2p21.
Variant type: single nucleotide variant.
Coding change: c.220T>G on transcript NM_001430.5 (MANE Select); coding-DNA position 220, T replaced by G.
Protein change: p.Cys74Gly; replaces cysteine 74 with glycine.
Molecular consequence: missense variant.
Genome position (GRCh38, 1-based): chr2:46,356,153, T>G. VCF-style: chr2-46356153-T-G. GRCh37 (hg19) VCF-style: chr2-46583292-T-G.
Other names: short protein forms C74G.
Identifiers: ClinVar variation 1787754 (VCV001787754.3), dbSNP rs748761768, ClinGen allele CA46539020.
Genomic context (GRCh38, chr2:46,356,153, plus strand): 5'-GTCCCATCTGTTTTCACTCCACATTCATGCAAGCTGTCCCACCCCCCCCCCTTTCCAGTT[T>G]GCTCTGAAAACGAGTCCGAAGCCGAAGCTGACCAGCAGATGGACAACTTGTACCTGAAAG-3'
Protein context (NP_001421.2, residues 64-84): LRTHKLLSSV[Cys74Gly]SENESEAEAD